The following is an entry in ClinVar:

ClinVar aggregate classification (germline): Likely benign (1 of 4 stars; one submission).

gnomAD v4.1: 33 of 1,613,850 alleles (0.002%); highest among the groups gnomAD compares: African/African-American, 0.004%; no homozygotes.

Submission:

CeGaT Center for Human Genetics Tuebingen
Classification: Likely benign. Last evaluated: 2024-07-01. Review status: criteria provided, single submitter. Criteria: CeGaT Center For Human Genetics Tuebingen Variant Classification Criteria Version 2. Collection method: clinical testing. Allele origin: germline. Affected: yes. Observed: 1 variant allele.
Comment: CIC: BP4, BP7

NM_001386298.1(CIC):c.4416T>C (p.Gly1472=)

Gene: CIC (capicua transcriptional repressor; plus strand). Cytogenetic location: 19q13.2.
Variant type: single nucleotide variant.
Coding change: c.4416T>C on transcript NM_001386298.1 (MANE Select); coding-DNA position 4416, T replaced by C.
Protein change: p.Gly1472=; no amino-acid change (glycine 1472 retained).
Molecular consequence: synonymous variant.
Genome position (GRCh38, 1-based): chr19:42,290,457, T>C. VCF-style: chr19-42290457-T-C. GRCh37 (hg19) VCF-style: chr19-42794609-T-C.
Other names: c.4416T>C, p.Gly1472= (NM_001304815.2, NM_001379480.1, NM_001379482.1); c.1689T>C, p.Gly563= (NM_001379484.1, NM_001379485.1, NM_015125.5).
Identifiers: ClinVar variation 3257070 (VCV003257070.17).
Genomic context (GRCh38, chr19:42,290,457, plus strand): 5'-AGCCTCGGCAGCCACCTCCTTCTCACTGGGCTCAGGAACCTTCAAGGCCCAGGAGTCTGG[T>C]CAGGGCAGCACAGCGGGCCCCCTACGGCCCCCACCCCCTGGGGCTGGGGGTCCAGCGACA-3'
Protein context (NP_001373227.1, residues 1462-1482): GSGTFKAQES[Gly1472=]QGSTAGPLRP